The following is an entry in ClinVar:

ClinVar aggregate classification (germline): Pathogenic/Likely pathogenic. Review status: criteria provided, multiple submitters, no conflicts (2 of 4 stars). 4 submissions from 4 submitters: Pathogenic (1); Likely pathogenic (3). Last evaluated 2024-06-13.

Conditions:
Combined malonic and methylmalonic acidemia. Identifiers: Orphanet 289504, MedGen C3280314, MONDO:0013661, OMIM 614265.

Allele frequency attached by ClinVar (database versions not stated): gnomAD exomes below 0.00001 and 0.00001.
gnomAD v4.1: 18 of 1,614,090 alleles (0.0011%); highest among the groups gnomAD compares: Non-Finnish European, 0.0015%; no homozygotes.

Submissions (4):

Fulgent Genetics
Classification: Likely pathogenic for Combined malonic and methylmalonic acidemia. Last evaluated: 2024-06-13. Review status: criteria provided, single submitter. Criteria: ACMG Guidelines, 2015. Collection method: clinical testing. Allele origin: germline.

Labcorp Genetics (formerly Invitae), Labcorp
Classification: Pathogenic for Combined malonic and methylmalonic acidemia. Last evaluated: 2024-03-01. Review status: criteria provided, single submitter. Criteria: Invitae Variant Classification Sherloc (09022015). Collection method: clinical testing. Allele origin: germline.
Comment: This sequence change creates a premature translational stop signal (p.Trp343*) in the ACSF3 gene. It is expected to result in an absent or disrupted protein product. Loss-of-function variants in ACSF3 are known to be pathogenic (PMID: 21841779, 26827111). This variant is present in population databases (no rsID available, gnomAD 0.0009%). This variant has not been reported in the literature in individuals affected with ACSF3-related conditions. ClinVar contains an entry for this variant (Variation ID: 429625). For these reasons, this variant has been classified as Pathogenic.

Baylor Genetics
Classification: Likely pathogenic for Combined malonic and methylmalonic acidemia. Last evaluated: 2023-06-17. Review status: criteria provided, single submitter. Criteria: ACMG Guidelines, 2015. Collection method: clinical testing. Allele origin: unknown.

GeneDx
Classification: Likely pathogenic. Last evaluated: 2017-05-11. Review status: criteria provided, single submitter. Criteria: GeneDx Variant Classification (06012015). Collection method: clinical testing. Allele origin: germline. Affected: yes.
Comment: The W343X nonsense variant in the ACSF3 gene is predicted to cause loss of normal protein function either throughprotein truncation or nonsense-mediated mRNA decay. The W343X variant is not observed in large populationcohorts (Lek et al., 2016; 1000 Genomes Consortium et al., 2015; Exome Variant Server). Although this variant hasnot been reported previously to our knowledge, it is expected to be a likely pathogenic variant.

Literature cited by the submitters: PubMed 21841779 (cited by Labcorp Genetics (formerly Invitae), Labcorp); PubMed 26827111 (cited by Labcorp Genetics (formerly Invitae), Labcorp).

NM_001243279.3(ACSF3):c.1028G>A (p.Trp343Ter)

Genes: ACSF3 (acyl-CoA synthetase family member 3; plus strand), LOC125177393 (P300/CBP strongly-dependent group 1 enhancer GRCh37_chr16:89180375-89181574; plus strand). Cytogenetic location: 16q24.3.
Variant type: single nucleotide variant.
Coding change: c.1028G>A on transcript NM_001243279.3 (MANE Select); coding-DNA position 1028, G replaced by A.
Protein change: p.Trp343Ter; replaces tryptophan 343 with a stop codon.
Molecular consequence: nonsense. On other transcripts: non-coding transcript variant (2).
Genome position (GRCh38, 1-based): chr16:89,114,389, G>A. VCF-style: chr16-89114389-G-A. GRCh37 (hg19) VCF-style: chr16-89180797-G-A.
Other names: c.1028G>A, p.Trp343Ter (NM_001127214.4, NM_174917.5); c.233G>A, p.Trp78Ter (NM_001284316.2); short protein forms W343*, W78*.
Identifiers: ClinVar variation 429625 (VCV000429625.7), dbSNP rs1131691498, ClinGen allele CA397140398.